The following is an entry in ClinVar:

ClinVar aggregate classification (germline): Benign/Likely benign. Review status: criteria provided, multiple submitters, no conflicts (2 of 4 stars). 10 submissions from 10 submitters: Benign (5); Likely benign (2). 3 of the submissions do not count toward it. Last evaluated 2026-01-18.

Conditions:
LAMA4-related disorder. Also called: LAMA4-related condition.
Cardiovascular phenotype. Identifiers: MedGen CN230736.
Dilated cardiomyopathy 1JJ (CMD1JJ). Identifiers: Orphanet 154, MedGen C3808935, MONDO:0014095, OMIM 615235.
Cardiomyopathy (CMYO). Also called: Cardiomyopathies. Identifiers: Orphanet 167848, MedGen C0878544, MONDO:0004994, HP:0001638. Inheritance: Various modes of inheritance.

Allele frequency attached by ClinVar (database versions not stated): 1000 Genomes Project 0.00080; 1000 Genomes Project 30x 0.00094; TOPMed 0.00167; ESP Exome Variant Server 0.00177.

Submissions (10):

Labcorp Genetics (formerly Invitae), Labcorp
Classification: Benign for Dilated cardiomyopathy 1JJ. Last evaluated: 2026-01-18. Review status: criteria provided, single submitter. Criteria: Invitae Variant Classification Sherloc (09022015). Collection method: clinical testing. Allele origin: germline.

Women's Health and Genetics/Laboratory Corporation of America, LabCorp
Classification: Benign. Last evaluated: 2025-02-10. Review status: criteria provided, single submitter. Criteria: LabCorp Variant Classification Summary - May 2015. Collection method: clinical testing. Allele origin: germline.

CHEO Genetics Diagnostic Laboratory, Children's Hospital of Eastern Ontario
Classification: Benign for Cardiomyopathy. Last evaluated: 2016-06-14. Review status: criteria provided, single submitter. Criteria: ACMG Guidelines, 2015. Collection method: clinical testing. Allele origin: germline. Study: Canadian Open Genetics Repository.

GeneDx
Classification: Benign. Last evaluated: 2016-01-05. Review status: criteria provided, single submitter. Criteria: GeneDx Variant Classification (06012015). Collection method: clinical testing. Allele origin: germline. Affected: yes.
Comment: This variant is considered likely benign or benign based on one or more of the following criteria: it is a conservative change, it occurs at a poorly conserved position in the protein, it is predicted to be benign by multiple in silico algorithms, and/or has population frequency not consistent with disease.

Ambry Genetics
Classification: Likely benign for Cardiovascular phenotype. Last evaluated: 2015-09-17. Review status: criteria provided, single submitter. Criteria: Ambry Variant Classification Scheme 2023. Collection method: clinical testing. Allele origin: germline.

Laboratory for Molecular Medicine, Mass General Brigham Personalized Medicine
Classification: Benign. Last evaluated: 2012-03-19. Review status: criteria provided, single submitter. Criteria: LMM Criteria. Collection method: clinical testing. Allele origin: germline. Observed: 2 variant alleles.
Comment: p.Ser542Ser in Exon 13 of LAMA4: This variant is not expected to have clinical s ignificance because it does not alter an amino acid residue, is not located with in the splice consensus sequence and has been identified in 0.6% (22/3738) of Af rican American chromosomes from a broad population by the NHLBI Exome Sequencing Project (dbSNP rs149459643).

Breakthrough Genomics
Classification: Likely benign. Review status: criteria provided, single submitter. Criteria: ACMG Guidelines, 2015. Collection method: not provided. Allele origin: germline. Inheritance: Autosomal dominant inheritance. Affected: yes.

PreventionGenetics, part of Exact Sciences
Classification: Benign for LAMA4-related condition. Last evaluated: 2019-02-20. Review status: no assertion criteria provided. Collection method: clinical testing. Allele origin: germline. Not counted in ClinVar's aggregate classification.
Comment: This variant is classified as benign based on ACMG/AMP sequence variant interpretation guidelines (Richards et al. 2015 PMID: 25741868, with internal and published modifications).

Clinical Genetics DNA and cytogenetics Diagnostics Lab, Erasmus MC, Erasmus Medical Center
Classification: Likely benign. Review status: no assertion criteria provided. Collection method: clinical testing. Allele origin: germline. Affected: yes. Study: VKGL Data-share Consensus. Not counted in ClinVar's aggregate classification.

Clinical Genetics, Academic Medical Center
Classification: Benign. Review status: no assertion criteria provided. Collection method: clinical testing. Allele origin: germline. Affected: yes. Study: VKGL Data-share Consensus. Not counted in ClinVar's aggregate classification.

NM_001105206.3(LAMA4):c.1647A>C (p.Ser549=)

Gene: LAMA4 (laminin subunit alpha 4; minus strand). Cytogenetic location: 6q21.
Variant type: single nucleotide variant.
Coding change: c.1647A>C on transcript NM_001105206.3 (MANE Select); coding-DNA position 1647, A replaced by C.
Protein change: p.Ser549=; no amino-acid change (serine 549 retained).
Molecular consequence: synonymous variant.
Genome position (GRCh38, 1-based): chr6:112,165,181, T>G on the plus strand (A>C on the coding strand, the complement: LAMA4 is on the minus strand). VCF-style: chr6-112165181-T-G. GRCh37 (hg19) VCF-style: chr6-112486383-T-G.
Other names: c.1626A>C, p.Ser542= (NM_001105207.3, NM_002290.5).
Identifiers: ClinVar variation 226690 (VCV000226690.27), dbSNP rs149459643, ClinGen allele CA3965718.
Genomic context (GRCh38, chr6:112,165,181, plus strand): 5'-CTGGAAATACAAACCTGAACAAGTCACGTGCGTCCTTACCTTTATTATATCATCAAGTTC[T>G]GAAAGAGTTAGACGAGGTGTTGTCAGAGAGTCCGCAGATGTGCTCAGAGACATGTTCACC-3'
Protein context (NP_001098676.2, residues 539-559): DSLTTPRLTL[Ser549=]ELDDIIKNAS